The following is an entry in ClinVar:

ClinVar aggregate classification (germline): Likely pathogenic (0 of 4 stars; one submission).

Conditions:
Fibrous dysplasia of jaw (CRBM). Also called: Cherubism. Identifiers: Orphanet 184, MedGen C0008029, MONDO:0007315, OMIM 118400.

Submission:

Gemeinschaftspraxis fuer Humangenetik Dresden
Classification: Likely pathogenic for Fibrous dysplasia of jaw. Last evaluated: 2021-12-11. Review status: no assertion criteria provided. Collection method: clinical testing. Allele origin: germline. Inheritance: Autosomal dominant inheritance. Affected: yes.
Comment: The Gly420Ala is not reported in HGMD 2021.3, gnomAD (v2.1.1), dbSNP (v151) or LOVD. On same position the pathogenic mutations Gly420Arg and Gly420Glu for the phenotype cherubism are known. In functional studies for the mutation p.Gly420Glu is shown, that it is inside an eight aminoacid motif, which is essential for recognition of SH3BP by tankyrase. Most detected mutations lay inside this motifs RSPPDGQS (AA 415-422). Multiple lines of computational evidence support a deleterious effect on the gene (AGVGD, SIFT, MutationTaster2021, Polyphen-2). In summary, the Gly420Ala variant meets our criteria to be classified as likely pathogenic. ACMG: PM1, PM2, PM5, PP3 (ACMG Guidelines, 2015)

Literature cited by the submitters: PubMed 16786512; PubMed 22153076; PubMed 22153077.

NM_001122681.2(SH3BP2):c.1259G>C (p.Gly420Ala)

Gene: SH3BP2 (SH3 domain binding protein 2; plus strand). Cytogenetic location: 4p16.3.
Variant type: single nucleotide variant.
Coding change: c.1259G>C on transcript NM_001122681.2 (MANE Select); coding-DNA position 1259, G replaced by C.
Protein change: p.Gly420Ala; replaces glycine 420 with alanine.
Molecular consequence: missense variant.
Genome position (GRCh38, 1-based): chr4:2,831,588, G>C. VCF-style: chr4-2831588-G-C. GRCh37 (hg19) VCF-style: chr4-2833315-G-C.
Other names: c.1343G>C, p.Gly448Ala (NM_001145855.2); c.1430G>C, p.Gly477Ala (NM_001145856.2); c.1259G>C, p.Gly420Ala (NM_003023.4); short protein forms G420A, G448A, G477A.
Identifiers: ClinVar variation 1526420 (VCV001526420.3), dbSNP rs28938171, ClinGen allele CA356057584.
Genomic context (GRCh38, chr4:2,831,588, plus strand): 5'-CTGACAGTGAAATGGTCCTGCCTTCCTCTCCCTGCCCCTCCAGGCGATCACCCCCCGATG[G>C]GCAGAGTTTCAGGAGCTTCTCCTTTGAAAAGCCCCGGCAACCCTCACAGGCTGACACTGG-3'
Protein context (NP_001116153.1, residues 410-430): LPHLQRSPPD[Gly420Ala]QSFRSFSFEK